The following is an entry in ClinVar:

ClinVar aggregate classification (germline): Pathogenic (1 of 4 stars; one submission).

Conditions:
Polycystic kidney disease 4 (PKD4). Also called: PKD3; Autosomal Recessive Polycystic Kidney Disease – PKHD1; POLYCYSTIC KIDNEY AND HEPATIC DISEASE 1; POLYCYSTIC KIDNEY DISEASE, INFANTILE, TYPE I; POLYCYSTIC KIDNEY DISEASE 4 WITH OR WITHOUT POLYCYSTIC LIVER DISEASE. Identifiers: MedGen C4540575, MONDO:0033004, OMIM 263200.

Submission:

Myriad Genetics, Inc.
Classification: Pathogenic for Polycystic kidney disease 4. Last evaluated: 2025-07-29. Review status: criteria provided, single submitter. Criteria: Myriad Autosomal Dominant, Autosomal Recessive and X-Linked Classification Criteria (2023). Collection method: clinical testing. Allele origin: unknown.
Comment: NM_138694.3(PKHD1):c.7156delG(V2386Sfs*29) is expected to be pathogenic in the context of autosomal recessive polycystic kidney disease, PKHD1-related. This variant is predicted to lead to an abnormal or absent protein product due to the creation of a premature termination codon in PKHD1, a gene where loss-of-function variants are known to be pathogenic. Please note: this variant was assessed in the context of healthy population screening.

NM_138694.4(PKHD1):c.7156del (p.Val2386fs)

Gene: PKHD1 (PKHD1 ciliary IPT domain containing fibrocystin/polyductin; minus strand). Cytogenetic location: 6p12.2.
Variant type: Deletion.
Coding change: c.7156del on transcript NM_138694.4 (MANE Select); coding-DNA position 7156, one base deleted (G; older notation c.7156delG).
Protein change: p.Val2386fs; shifts the reading frame from valine 2386.
Molecular consequence: frameshift variant.
Genome position (GRCh38, 1-based): chr6:51,885,926, C deleted on the plus strand (G on the coding strand, the reverse complement: PKHD1 is on the minus strand). VCF-style (leftmost placement, unchanged base first): chr6-51885925-AC-A. GRCh37 (hg19) VCF-style: chr6-51750723-AC-A.
Other names: c.7156del, p.Val2386fs (NM_170724.3); short protein forms V2386fs.
Identifiers: ClinVar variation 5014787 (VCV005014787.1).